The following is an entry in ClinVar:

ClinVar aggregate classification (germline): Uncertain significance (1 of 4 stars; one submission).

Conditions:
Adams-Oliver syndrome 5 (AOS5). Identifiers: Orphanet 974, MedGen C4014970, MONDO:0014459, OMIM 616028.

Submission:

Labcorp Genetics (formerly Invitae), Labcorp
Classification: Uncertain significance for Adams-Oliver syndrome 5. Last evaluated: 2025-05-08. Review status: criteria provided, single submitter. Criteria: Invitae Variant Classification Sherloc (09022015). Collection method: clinical testing. Allele origin: germline.
Comment: This sequence change falls in intron 21 of the NOTCH1 gene. It does not directly change the encoded amino acid sequence of the NOTCH1 protein. It affects a nucleotide within the consensus splice site. This variant is not present in population databases (gnomAD no frequency). This variant has not been reported in the literature in individuals affected with NOTCH1-related conditions. Variants that disrupt the consensus splice site are a relatively common cause of aberrant splicing (PMID: 17576681, 9536098). Algorithms developed to predict the effect of sequence changes on RNA splicing suggest that this variant is not likely to affect RNA splicing. In summary, the available evidence is currently insufficient to determine the role of this variant in disease. Therefore, it has been classified as a Variant of Uncertain Significance.

Literature cited by the submitters: PubMed 17576681; PubMed 9536098.

NM_017617.5(NOTCH1):c.3510+6G>A

Gene: NOTCH1 (notch receptor 1; minus strand). Cytogenetic location: 9q34.3.
Variant type: single nucleotide variant.
Coding change: c.3510+6G>A on transcript NM_017617.5 (MANE Select); 6 bases into the intron after coding-DNA position 3510, G replaced by A.
Molecular consequence: intron variant.
Genome position (GRCh38, 1-based): chr9:136,507,949, C>T on the plus strand (G>A on the coding strand, the complement: NOTCH1 is on the minus strand). VCF-style: chr9-136507949-C-T. GRCh37 (hg19) VCF-style: chr9-139402401-C-T.
Identifiers: ClinVar variation 4804305 (VCV004804305.1).